The following is an entry in ClinVar:

NM_000399.5(EGR2):c.108G>A (p.Val36=)

Gene: EGR2 (early growth response 2; minus strand). Cytogenetic location: 10q21.3.
Variant type: single nucleotide variant.
Coding change: c.108G>A on transcript NM_000399.5 (MANE Select); coding-DNA position 108, G replaced by A.
Protein change: p.Val36=; no amino-acid change (valine 36 retained).
Molecular consequence: synonymous variant. On other transcripts: 5 prime UTR variant (2).
Genome position (GRCh38, 1-based): chr10:62,815,922, C>T on the plus strand (G>A on the coding strand, the complement: EGR2 is on the minus strand). VCF-style: chr10-62815922-C-T. GRCh37 (hg19) VCF-style: chr10-64575682-C-T.
Other names: c.108G>A, p.Val36= (NM_001136177.3, NM_001136178.2); c.-43G>A (NM_001136179.3, NM_001321037.2).
Identifiers: ClinVar variation 447312 (VCV000447312.12), dbSNP rs746579337, ClinGen allele CA5517338.

ClinVar aggregate classification (germline): Conflicting classifications of pathogenicity. Review status: criteria provided, conflicting classifications (1 of 4 stars). 3 submissions from 3 submitters: Uncertain significance (1); Likely benign (2). Last evaluated 2026-01-25.

Conditions:
EGR2-related disorder. Also called: EGR2-related condition.
Charcot-Marie-Tooth disease, type I (CMT1). Also called: Charcot-Marie-Tooth, Type 1; Charcot-Marie-Tooth disease type 1. Identifiers: Orphanet 65753, MedGen C0751036, MONDO:0019011.

Allele frequency attached by ClinVar (database versions not stated): ExAC 0.00001; gnomAD exomes 0.00001 and 0.00002; TOPMed 0.00001; gnomAD 0.00002.
gnomAD v4.1: 29 of 1,614,106 alleles (0.0018%); highest among the groups gnomAD compares: Non-Finnish European, 0.0024%; no homozygotes.

Submissions (3):

Labcorp Genetics (formerly Invitae), Labcorp
Classification: Likely benign for Charcot-Marie-Tooth disease, type I. Last evaluated: 2026-01-25. Review status: criteria provided, single submitter. Criteria: Invitae Variant Classification Sherloc (09022015). Collection method: clinical testing. Allele origin: germline.

PreventionGenetics, part of Exact Sciences
Classification: Likely benign for EGR2-related condition. Last evaluated: 2025-12-31. Review status: criteria provided, single submitter. Criteria: ACMG Guidelines, 2015. Collection method: clinical testing. Allele origin: germline.
Comment: This variant is classified as likely benign based on ACMG/AMP sequence variant interpretation guidelines (Richards et al. 2015 PMID: 25741868, with internal and published modifications).

Athena Diagnostics
Classification: Uncertain significance. Last evaluated: 2016-11-17. Review status: criteria provided, single submitter. Criteria: Athena Diagnostics Criteria. Collection method: clinical testing. Allele origin: germline.